The following is an entry in ClinVar:

ClinVar aggregate classification (germline): Uncertain significance (1 of 4 stars; one submission).

Submission:

GeneDx
Classification: Uncertain significance. Last evaluated: 2018-02-02. Review status: criteria provided, single submitter. Criteria: GeneDx Variant Classification (06012015). Collection method: clinical testing. Allele origin: germline. Affected: yes.
Comment: The c.130_138delCTACGGCAG variant in the B3GAT3 gene has not been reported previously as a pathogenic variant nor as a benign variant, to our knowledge. The c.130_138delCTACGGCAG variant causes an in-frame deletion of three amino acid residues, denoted p.Leu44_Gln46del. The c.130_138delCTACGGCAG variant is not observed at a significant frequency in large population cohorts (Lek et al., 2016). We interpret c.130_138delCTACGGCAG as a variant of uncertain significance.

NM_012200.4(B3GAT3):c.130_138del (p.Leu44_Gln46del)

Gene: B3GAT3 (beta-1,3-glucuronyltransferase 3; minus strand). Cytogenetic location: 11q12.3.
Variant type: Deletion.
Coding change: c.130_138del on transcript NM_012200.4 (MANE Select); coding-DNA positions 130 to 138, 9 bases deleted (CTACGGCAG; older notation c.130_138delCTACGGCAG).
Protein change: p.Leu44_Gln46del.
Molecular consequence: inframe deletion. On other transcripts: non-coding transcript variant (1).
Genome position (GRCh38, 1-based): chr11:62,620,616-62,620,624, CTGCCGTAG deleted on the plus strand (CTACGGCAG on the coding strand, the reverse complement: B3GAT3 is on the minus strand); deleting any 9 consecutive bases within chr11:62,620,616-62,620,628 gives the same sequence; the c. name uses the placement nearest the transcript's 3' end. VCF-style (leftmost placement, unchanged base first): chr11-62620615-TCTGCCGTAG-T. GRCh37 (hg19) VCF-style: chr11-62388087-TCTGCCGTAG-T.
Other names: c.109_117del, p.Leu37_Gln39del (NM_001288721.2); c.130_138del, p.Leu44_Gln46del (NM_001288722.2, NM_001288723.2).
Identifiers: ClinVar variation 504295 (VCV000504295.2), dbSNP rs758152185, ClinGen allele CA6050198.